The following is an entry in ClinVar:

NM_020975.6(RET):c.1245G>C (p.Arg415Ser)

Gene: RET (ret proto-oncogene; plus strand). Cytogenetic location: 10q11.21.
Variant type: single nucleotide variant.
Coding change: c.1245G>C on transcript NM_020975.6 (MANE Select); coding-DNA position 1245, G replaced by C.
Protein change: p.Arg415Ser; replaces arginine 415 with serine.
Molecular consequence: missense variant.
Genome position (GRCh38, 1-based): chr10:43,109,212, G>C. VCF-style: chr10-43109212-G-C. GRCh37 (hg19) VCF-style: chr10-43604660-G-C.
Other names: c.1245G>C, p.Arg415Ser (NM_000323.2, NM_001406743.1, NM_001406744.1 and 6 more transcripts); c.483G>C, p.Arg161Ser (NM_001355216.2); c.1116G>C, p.Arg372Ser (NM_001406761.1, NM_001406762.1, NM_001406764.1 and 1 more transcripts); c.957G>C, p.Arg319Ser (NM_001406766.1, NM_001406767.1, NM_001406770.1); c.807G>C, p.Arg269Ser (NM_001406771.1, NM_001406773.1); c.519G>C, p.Arg173Ser (NM_001406775.1, NM_001406776.1, NM_001406777.1 and 1 more transcripts); c.255G>C, p.Arg85Ser (NM_001406784.1); short protein forms R319S, R161S, R173S, R372S, R269S, R415S, R85S.
Identifiers: ClinVar variation 1759437 (VCV001759437.2), dbSNP rs2132746989, ClinGen allele CA376548032.

ClinVar aggregate classification (germline): Uncertain significance (1 of 4 stars; one submission).

Conditions:
Hereditary cancer-predisposing syndrome. Also called: Neoplastic Syndromes, Hereditary; Tumor predisposition; Hereditary Cancer Syndrome; Hereditary neoplastic syndrome. Identifiers: Orphanet 140162, MedGen C0027672, MeSH D009386, MONDO:0015356.

Submission:

Ambry Genetics
Classification: Uncertain significance for Hereditary cancer-predisposing syndrome. Last evaluated: 2021-03-18. Review status: criteria provided, single submitter. Criteria: Ambry Variant Classification Scheme 2023. Collection method: clinical testing. Allele origin: germline.
Comment: The p.R415S variant (also known as c.1245G>C), located in coding exon 6 of the RET gene, results from a G to C substitution at nucleotide position 1245. The arginine at codon 415 is replaced by serine, an amino acid with dissimilar properties. This amino acid position is not well conserved in available vertebrate species. In addition, this alteration is predicted to be tolerated by in silico analysis. Since supporting evidence is limited at this time, the clinical significance of this alteration remains unclear.